The following is an entry in ClinVar:

ClinVar aggregate classification (germline): Uncertain significance (1 of 4 stars; one submission).

Conditions:
Pure or complex autosomal recessive spastic paraplegia. Identifiers: Orphanet 320346, MedGen C5679887, MONDO:0017915.

gnomAD v4.1: 18 of 1,614,068 alleles (0.0011%); highest among the groups gnomAD compares: Non-Finnish European, 0.0014%; no homozygotes.

Submission:

Labcorp Genetics (formerly Invitae), Labcorp
Classification: Uncertain significance for Pure or complex autosomal recessive spastic paraplegia. Last evaluated: 2024-05-20. Review status: criteria provided, single submitter. Criteria: Invitae Variant Classification Sherloc (09022015). Collection method: clinical testing. Allele origin: germline.
Comment: This sequence change replaces serine, which is neutral and polar, with glycine, which is neutral and non-polar, at codon 761 of the ZFR protein (p.Ser761Gly). This variant is not present in population databases (gnomAD no frequency). This variant has not been reported in the literature in individuals affected with ZFR-related conditions. Experimental studies and prediction algorithms are not available or were not evaluated, and the functional significance of this variant is currently unknown. In summary, the available evidence is currently insufficient to determine the role of this variant in disease. Therefore, it has been classified as a Variant of Uncertain Significance.

NM_016107.5(ZFR):c.2281A>G (p.Ser761Gly)

Gene: ZFR (zinc finger RNA binding protein; minus strand). Cytogenetic location: 5p13.3.
Variant type: single nucleotide variant.
Coding change: c.2281A>G on transcript NM_016107.5 (MANE Select); coding-DNA position 2281, A replaced by G.
Protein change: p.Ser761Gly; replaces serine 761 with glycine.
Molecular consequence: missense variant. On other transcripts: non-coding transcript variant (1).
Genome position (GRCh38, 1-based): chr5:32,388,536, T>C on the plus strand (A>G on the coding strand, the complement: ZFR is on the minus strand). VCF-style: chr5-32388536-T-C. GRCh37 (hg19) VCF-style: chr5-32388642-T-C.
Other names: short protein forms S761G.
Identifiers: ClinVar variation 3616425 (VCV003616425.2).